The following is an entry in ClinVar:

ClinVar aggregate classification (germline): Likely benign (0 of 4 stars; one submission).

Conditions:
GTPBP2-related disorder. Also called: GTPBP2-related condition.

Submission:

PreventionGenetics, part of Exact Sciences
Classification: Likely benign for GTPBP2-related condition. Last evaluated: 2022-12-01. Review status: no assertion criteria provided. Collection method: clinical testing. Allele origin: germline.
Comment: This variant is classified as likely benign based on ACMG/AMP sequence variant interpretation guidelines (Richards et al. 2015 PMID: 25741868, with internal and published modifications).

NM_019096.5(GTPBP2):c.60C>T (p.Ala20=)

Genes: GTPBP2 (GTP binding protein 2; minus strand), LOC129996523 (ATAC-STARR-seq lymphoblastoid silent region 17238; plus strand). Cytogenetic location: 6p21.1.
Variant type: single nucleotide variant.
Coding change: c.60C>T on transcript NM_019096.5 (MANE Select); coding-DNA position 60, C replaced by T.
Protein change: p.Ala20=; no amino-acid change (alanine 20 retained).
Molecular consequence: synonymous variant.
Genome position (GRCh38, 1-based): chr6:43,629,103, G>A on the plus strand (C>T on the coding strand, the complement: GTPBP2 is on the minus strand). VCF-style: chr6-43629103-G-A. GRCh37 (hg19) VCF-style: chr6-43596840-G-A.
Identifiers: ClinVar variation 3030337 (VCV003030337.2), dbSNP rs773905180, ClinGen allele CA450292237.